The following is an entry in ClinVar:

ClinVar aggregate classification (germline): Uncertain significance (1 of 4 stars; one submission).

Submission:

Labcorp Genetics (formerly Invitae), Labcorp
Classification: Uncertain significance. Last evaluated: 2023-06-06. Review status: criteria provided, single submitter. Criteria: Invitae Variant Classification Sherloc (09022015). Collection method: clinical testing. Allele origin: germline.
Comment: Advanced modeling of protein sequence and biophysical properties (such as structural, functional, and spatial information, amino acid conservation, physicochemical variation, residue mobility, and thermodynamic stability) performed at Invitae indicates that this missense variant is expected to disrupt ALPK1 protein function. In summary, the available evidence is currently insufficient to determine the role of this variant in disease. Therefore, it has been classified as a Variant of Uncertain Significance. This variant has not been reported in the literature in individuals affected with ALPK1-related conditions. This variant is not present in population databases (gnomAD no frequency). This sequence change replaces tryptophan, which is neutral and slightly polar, with cysteine, which is neutral and slightly polar, at codon 1025 of the ALPK1 protein (p.Trp1025Cys).

NM_025144.4(ALPK1):c.3075G>T (p.Trp1025Cys)

Gene: ALPK1 (alpha kinase 1; plus strand). Cytogenetic location: 4q25.
Variant type: single nucleotide variant.
Coding change: c.3075G>T on transcript NM_025144.4 (MANE Select); coding-DNA position 3075, G replaced by T.
Protein change: p.Trp1025Cys; replaces tryptophan 1025 with cysteine.
Molecular consequence: missense variant.
Genome position (GRCh38, 1-based): chr4:112,435,188, G>T. VCF-style: chr4-112435188-G-T. GRCh37 (hg19) VCF-style: chr4-113356344-G-T.
Other names: c.3075G>T, p.Trp1025Cys (NM_001102406.2); c.2841G>T, p.Trp947Cys (NM_001253884.2); short protein forms W1025C, W947C.
Identifiers: ClinVar variation 2693732 (VCV002693732.3), dbSNP rs747050222, ClinGen allele CA357904371.